The following is an entry in ClinVar:

NM_172351.3(CD46):c.810T>G (p.Cys270Trp)

Gene: CD46 (CD46 molecule; plus strand). Cytogenetic location: 1q32.2.
Variant type: single nucleotide variant.
Coding change: c.810T>G on transcript NM_172351.3 (MANE Select); coding-DNA position 810, T replaced by G.
Protein change: p.Cys270Trp; replaces cysteine 270 with tryptophan.
Molecular consequence: missense variant.
Genome position (GRCh38, 1-based): chr1:207,767,149, T>G. VCF-style: chr1-207767149-T-G. GRCh37 (hg19) VCF-style: chr1-207940494-T-G.
Other names: c.810T>G, p.Cys270Trp (NM_002389.4, NM_153826.4, NM_172350.3 and 8 more transcripts); short protein forms C270W.
Identifiers: ClinVar variation 4291184 (VCV004291184.2).

ClinVar aggregate classification (germline): Likely pathogenic (1 of 4 stars; one submission).

Conditions:
Atypical hemolytic-uremic syndrome. Identifiers: Orphanet 2134, MedGen C2931788, MONDO:0016244.

Submission:

Genomenon, Inc
Classification: Likely pathogenic for Atypical hemolytic-uremic syndrome. Last evaluated: 2026-09-17. Review status: criteria provided, single submitter. Criteria: Genomenon Sequence Variant Interpretation Standards - Updated. Collection method: curation. Allele origin: germline. Affected: yes.
Comment: CD46 p.Cys270Trp (c.810T>G) is a missense variant that changes the amino acid at codon 270 from cysteine to tryptophan. This variant has been observed in at least one proband affected with atypical hemolytic-uremic syndrome (PMID:29500241). This variant is located in a mutational hotspot and/or important functional domain. It is absent or not present at a significant frequency in gnomAD. In silico models predict that this variant is possibly or probably damaging. In conclusion, we classify CD46 p.Cys270Trp (c.810T>G) as a likely pathogenic variant.

Literature cited by the submitters: PubMed 29500241.